The following is an entry in ClinVar:

NM_003185.4(TAF4):c.1353del (p.Pro453fs)

Gene: TAF4 (TATA-box binding protein associated factor 4; minus strand). Cytogenetic location: 20q13.33.
Variant type: Deletion.
Coding change: c.1353del on transcript NM_003185.4 (MANE Select); coding-DNA position 1353, one base deleted (G; older notation c.1353delG).
Protein change: p.Pro453fs; shifts the reading frame from proline 453.
Molecular consequence: frameshift variant.
Genome position (GRCh38, 1-based): chr20:62,064,458, C deleted on the plus strand (G on the coding strand, the reverse complement: TAF4 is on the minus strand). VCF-style (leftmost placement, unchanged base first): chr20-62064457-GC-G. GRCh37 (hg19) VCF-style: chr20-60639513-GC-G.
Other names: short protein forms P453fs.
Identifiers: ClinVar variation 4851588 (VCV004851588.1).
Genomic context (GRCh38, chr20:62,064,457, plus strand): 5'-GCAGCTGGCGCTGCTGGGAGCCGCCCTTCCCTCCCGCCCCGTGCGGCCACTCACCTGGGG[GC>G]AGCTGGAAGTTCTGGATGTTGGTCGGGTTCTGAGGCGGCTGCGGCAAGCGGGGGGCCAGC-3'

ClinVar aggregate classification (germline): Likely pathogenic (1 of 4 stars; one submission).

Conditions:
Intellectual developmental disorder, autosomal dominant 73 (MRD73). Also called: TAF4-RELATED NDD; TAF4-RELATED NEURODEVELOPMENTAL DISORDER. Identifiers: MedGen C5830636, MONDO:0957536, OMIM 620450.

Submission:

CGC Genetics, Unilabs
Classification: Likely pathogenic for Intellectual developmental disorder, autosomal dominant 73. Last evaluated: 2025-11-07. Review status: criteria provided, single submitter. Criteria: ACMG Guidelines, 2015. Collection method: clinical testing. Allele origin: germline. Inheritance: Autosomal dominant inheritance. Affected: yes. Observed: 1 variant allele.
Comment: The NM_003185.4:c.1353del p.(Pro453Glnfs*14) variant, detected in heterozygosity in exon 1 (of 15) of the TAF4 gene (chr.20), is not described in the literature or in the gnomAD and ClinVar databases. Given its nature (frameshift), it is expected to introduce a premature stop codon and result in the production of a truncated protein and/or loss of expression due to mRNA degradation. Based on currently available information, this should be classified as a likely pathogenic variant.